The following is an entry in ClinVar:

NM_030662.4(MAP2K2):c.696C>T (p.Ser232=)

Gene: MAP2K2 (mitogen-activated protein kinase kinase 2; minus strand). Cytogenetic location: 19p13.3.
Variant type: single nucleotide variant.
Coding change: c.696C>T on transcript NM_030662.4 (MANE Select); coding-DNA position 696, C replaced by T.
Protein change: p.Ser232=; no amino-acid change (serine 232 retained).
Molecular consequence: synonymous variant.
Genome position (GRCh38, 1-based): chr19:4,101,028, G>A on the plus strand (C>T on the coding strand, the complement: MAP2K2 is on the minus strand). VCF-style: chr19-4101028-G-A. GRCh37 (hg19) VCF-style: chr19-4101026-G-A.
Other names: c.696C>T (NM_030662.3).
Identifiers: ClinVar variation 1116171 (VCV001116171.33), dbSNP rs761539527, ClinGen allele CA9090853.

ClinVar aggregate classification (germline): Likely benign. Review status: criteria provided, multiple submitters, no conflicts (2 of 4 stars). 3 submissions from 3 submitters: Likely benign (3). Last evaluated 2026-06-18.

Conditions:
RASopathy. Also called: Noonan spectrum disorder; rasopathies. Identifiers: Orphanet 536391, MedGen C5555857, MONDO:0021060.
Cardiovascular phenotype. Identifiers: MedGen CN230736.

Allele frequency attached by ClinVar (database versions not stated): gnomAD exomes 0.00002 and 0.00003; TOPMed 0.00002; gnomAD 0.00003; ExAC 0.00013.

Submissions (3):

Ambry Genetics
Classification: Likely benign for Cardiovascular phenotype. Last evaluated: 2026-06-18. Review status: criteria provided, single submitter. Criteria: Ambry Variant Classification Scheme 2023. Collection method: clinical testing. Allele origin: germline.

Labcorp Genetics (formerly Invitae), Labcorp
Classification: Likely benign for RASopathy. Last evaluated: 2025-11-05. Review status: criteria provided, single submitter. Criteria: Invitae Variant Classification Sherloc (09022015). Collection method: clinical testing. Allele origin: germline.

CeGaT Center for Human Genetics Tuebingen
Classification: Likely benign. Last evaluated: 2022-05-01. Review status: criteria provided, single submitter. Criteria: CeGaT Center For Human Genetics Tuebingen Variant Classification Criteria Version 2. Collection method: clinical testing. Allele origin: germline. Affected: yes. Observed: 1 variant allele.
Comment: MAP2K2: BP4, BP7